The following is an entry in ClinVar:

ClinVar aggregate classification (germline): Uncertain significance (1 of 4 stars; one submission).

Conditions:
Inborn genetic diseases. Identifiers: MedGen C0950123, MeSH D030342.

Submission:

Ambry Genetics
Classification: Uncertain significance for Inborn genetic diseases. Last evaluated: 2021-03-22. Review status: criteria provided, single submitter. Criteria: Ambry Variant Classification Scheme 2023. Collection method: clinical testing. Allele origin: germline.
Comment: The c.5720C>T (p.A1907V) alteration is located in exon 18 (coding exon 18) of the ASPM gene. This alteration results from a C to T substitution at nucleotide position 5720, causing the alanine (A) at amino acid position 1907 to be replaced by a valine (V). The p.A1907V alteration is predicted to be tolerated by in silico analysis. Based on insufficient or conflicting evidence, the clinical significance of this alteration remains unclear.

NM_018136.5(ASPM):c.5720C>T (p.Ala1907Val)

Gene: ASPM (assembly factor for spindle microtubules; minus strand). Cytogenetic location: 1q31.3.
Variant type: single nucleotide variant.
Coding change: c.5720C>T on transcript NM_018136.5 (MANE Select); coding-DNA position 5720, C replaced by T.
Protein change: p.Ala1907Val; replaces alanine 1907 with valine.
Molecular consequence: missense variant. On other transcripts: intron variant (1).
Genome position (GRCh38, 1-based): chr1:197,103,531, G>A on the plus strand (C>T on the coding strand, the complement: ASPM is on the minus strand). VCF-style: chr1-197103531-G-A. GRCh37 (hg19) VCF-style: chr1-197072661-G-A.
Other names: c.4066-7367C>T (NM_001206846.2); short protein forms A1907V.
Identifiers: ClinVar variation 2229535 (VCV002229535.2), dbSNP rs2527300236, ClinGen allele CA344024606.